The following is an entry in ClinVar:

ClinVar aggregate classification (germline): Uncertain significance (1 of 4 stars; one submission).

Submission:

Labcorp Genetics (formerly Invitae), Labcorp
Classification: Uncertain significance. Last evaluated: 2024-08-05. Review status: criteria provided, single submitter. Criteria: Invitae Variant Classification Sherloc (09022015). Collection method: clinical testing. Allele origin: germline.
Comment: This sequence change replaces alanine, which is neutral and non-polar, with proline, which is neutral and non-polar, at codon 168 of the RHO protein (p.Ala168Pro). This variant is not present in population databases (gnomAD no frequency). This missense change has been observed in individual(s) with retinitis pigmentosa (PMID: 33691693). ClinVar contains an entry for this variant (Variation ID: 2098210). Advanced modeling of protein sequence and biophysical properties (such as structural, functional, and spatial information, amino acid conservation, physicochemical variation, residue mobility, and thermodynamic stability) performed at Invitae indicates that this missense variant is expected to disrupt RHO protein function with a positive predictive value of 80%. In summary, the available evidence is currently insufficient to determine the role of this variant in disease. Therefore, it has been classified as a Variant of Uncertain Significance.

Literature cited by the submitters: PubMed 33691693.

NM_000539.3(RHO):c.502G>C (p.Ala168Pro)

Gene: RHO (rhodopsin; plus strand). Cytogenetic location: 3q22.1.
Variant type: single nucleotide variant.
Coding change: c.502G>C on transcript NM_000539.3 (MANE Select); coding-DNA position 502, G replaced by C.
Protein change: p.Ala168Pro; replaces alanine 168 with proline.
Molecular consequence: missense variant.
Genome position (GRCh38, 1-based): chr3:129,531,016, G>C. VCF-style: chr3-129531016-G-C. GRCh37 (hg19) VCF-style: chr3-129249859-G-C.
Other names: short protein forms A168P.
Identifiers: ClinVar variation 2098210 (VCV002098210.4), dbSNP rs574202023, ClinGen allele CA354498673.